The following is an entry in ClinVar:

NM_006218.4(PIK3CA):c.2188G>C (p.Val730Leu)

Gene: PIK3CA (phosphatidylinositol-4,5-bisphosphate 3-kinase catalytic subunit alpha; plus strand). Cytogenetic location: 3q26.32.
Variant type: single nucleotide variant.
Coding change: c.2188G>C on transcript NM_006218.4 (MANE Select); coding-DNA position 2188, G replaced by C.
Protein change: p.Val730Leu; replaces valine 730 with leucine.
Molecular consequence: missense variant.
Genome position (GRCh38, 1-based): chr3:179,224,081, G>C. VCF-style: chr3-179224081-G-C. GRCh37 (hg19) VCF-style: chr3-178941869-G-C.
Other names: short protein forms V730L.
Identifiers: ClinVar variation 3888950 (VCV003888950.1).

ClinVar aggregate classification (germline): Uncertain significance (1 of 4 stars; one submission).

Conditions:
Inborn genetic diseases. Identifiers: MedGen C0950123, MeSH D030342.

gnomAD v4.1: 2 of 1,546,748 alleles (0.00013%); highest among the groups gnomAD compares: Non-Finnish European, 0.00018%; no homozygotes.

Submission:

Ambry Genetics
Classification: Uncertain significance for Inborn genetic diseases. Last evaluated: 2025-02-16. Review status: criteria provided, single submitter. Criteria: Ambry Variant Classification Scheme 2023. Collection method: clinical testing. Allele origin: germline.
Comment: The p.V730L variant (also known as c.2188G>C) is located in coding exon 14 of the PIK3CA gene. The valine at codon 730 is replaced by leucine, an amino acid with highly similar properties. This change occurs in the first base pair of coding exon 14. This amino acid position is conserved. In addition, the in silico prediction for this alteration is inconclusive. Based on the available evidence, the clinical significance of this variant remains unclear.